The following is an entry in ClinVar:

NC_000004.11:g.(?_107114746)_(107134012_?)dup

Gene: TBCK (TBC1 domain containing kinase; minus strand). Cytogenetic location: 4q24.
Variant type: Duplication.
Identifiers: ClinVar variation 3246721 (VCV003246721.1).

ClinVar aggregate classification (germline): Uncertain significance (1 of 4 stars; one submission).

Submission:

Labcorp Genetics (formerly Invitae), Labcorp
Classification: Uncertain significance. Last evaluated: 2023-03-18. Review status: criteria provided, single submitter. Criteria: Invitae Variant Classification Sherloc (09022015). Collection method: clinical testing. Allele origin: unknown.
Comment: In summary, the available evidence is currently insufficient to determine the role of this variant in disease. Therefore, it has been classified as a Variant of Uncertain Significance. Experimental studies and prediction algorithms are not available or were not evaluated, and the functional significance of this variant is currently unknown. This variant has not been reported in the literature in individuals affected with TBCK-related conditions. This variant results in a copy number gain of the genomic region encompassing exon(s) 20-22 of the TBCK gene. While the exact position of this variant cannot be determined from the data, sub-genic copy number gains are generally in tandem (PMID: 25640679). This variant is predicted to be in-frame, and likely preserves the integrity of the reading frame.

Literature cited by the submitters: PubMed 25640679.